The following is an entry in ClinVar:

NM_018451.5(CPAP):c.1221del (p.Glu408fs)

Gene: CPAP (centrosome assembly and centriole elongation protein; minus strand). Cytogenetic location: 13q12.13.
Variant type: Deletion.
Coding change: c.1221del on transcript NM_018451.5 (MANE Select); coding-DNA position 1221, one base deleted (C; older notation c.1221delC).
Protein change: p.Glu408fs; shifts the reading frame from glutamic acid 408.
Molecular consequence: frameshift variant. On other transcripts: non-coding transcript variant (2).
Genome position (GRCh38, 1-based): chr13:24,906,817, G deleted on the plus strand (C on the coding strand, the reverse complement: CPAP is on the minus strand); the first of 2 consecutive G bases (chr13:24,906,817-24,906,818); deleting either gives the same sequence. VCF-style (leftmost placement, unchanged base first): chr13-24906816-CG-C. GRCh37 (hg19) VCF-style: chr13-25480954-CG-C.
Other names: short protein forms E408fs.
Identifiers: ClinVar variation 5005236 (VCV005005236.2).

ClinVar aggregate classification (germline): Likely pathogenic (1 of 4 stars; one submission).

Conditions:
Seckel syndrome 4 (SCKL4). Identifiers: Orphanet 808, MedGen C3888212, MONDO:0013358, OMIM 613676.
Microcephaly 6, primary, autosomal recessive. Identifiers: Orphanet 2512, MedGen C1842109, MONDO:0012029, OMIM 608393.

Submission:

Juno Genomics, Hangzhou Juno Genomics, Inc
Classification: Likely pathogenic for Seckel syndrome 4; Microcephaly 6, primary, autosomal recessive. Review status: criteria provided, single submitter. Criteria: ACMG Guidelines, 2015. Collection method: clinical testing. Allele origin: germline.
Comment: Null variant in a gene where loss of function (LOF) is a known mechanism of disease.;Absent from controls (or at extremely low frequency if recessive) in Genome Aggregation Database.